The following is an entry in ClinVar:

NM_002474.3(MYH11):c.502+13A>G

Gene: MYH11 (myosin heavy chain 11; minus strand). Cytogenetic location: 16p13.11.
Variant type: single nucleotide variant.
Coding change: c.502+13A>G on transcript NM_002474.3 (MANE Select); 13 bases into the intron after coding-DNA position 502, A replaced by G.
Molecular consequence: intron variant.
Genome position (GRCh38, 1-based): chr16:15,823,242, T>C on the plus strand (A>G on the coding strand, the complement: MYH11 is on the minus strand). VCF-style: chr16-15823242-T-C. GRCh37 (hg19) VCF-style: chr16-15917099-T-C.
Other names: c.502+13A>G (NM_022844.3, NM_001040114.2, NM_001040113.2).
Identifiers: ClinVar variation 509432 (VCV000509432.1), dbSNP rs1555457220, ClinGen allele CA658798555.

ClinVar aggregate classification (germline): Likely benign (1 of 4 stars; one submission).

Allele frequency attached by ClinVar (database versions not stated): gnomAD exomes below 0.00001.
gnomAD v4.1: 1 of 1,614,028 alleles (0.000062%); highest among the groups gnomAD compares: Non-Finnish European, 0.000085%; no homozygotes.

Submission:

GeneDx
Classification: Likely benign. Last evaluated: 2017-05-04. Review status: criteria provided, single submitter. Criteria: GeneDx Variant Classification (06012015). Collection method: clinical testing. Allele origin: germline. Affected: yes.
Comment: This variant is considered likely benign or benign based on one or more of the following criteria: it is a conservative change, it occurs at a poorly conserved position in the protein, it is predicted to be benign by multiple in silico algorithms, and/or has population frequency not consistent with disease.